The following is an entry in ClinVar:

NM_170606.3(KMT2C):c.7609C>T (p.Leu2537Phe)

Gene: KMT2C (lysine methyltransferase 2C; minus strand). Cytogenetic location: 7q36.1.
Variant type: single nucleotide variant.
Coding change: c.7609C>T on transcript NM_170606.3 (MANE Select); coding-DNA position 7609, C replaced by T.
Protein change: p.Leu2537Phe; replaces leucine 2537 with phenylalanine.
Molecular consequence: missense variant.
Genome position (GRCh38, 1-based): chr7:152,177,844, G>A on the plus strand (C>T on the coding strand, the complement: KMT2C is on the minus strand). VCF-style: chr7-152177844-G-A. GRCh37 (hg19) VCF-style: chr7-151874929-G-A.
Other names: short protein forms L2537F.
Identifiers: ClinVar variation 3373083 (VCV003373083.2).

ClinVar aggregate classification (germline): Uncertain significance (1 of 4 stars; one submission).

Submission:

GeneDx
Classification: Uncertain significance. Last evaluated: 2025-02-05. Review status: criteria provided, single submitter. Criteria: GeneDx Variant Classification Process June 2021. Collection method: clinical testing. Allele origin: germline. Affected: yes.
Comment: Not observed at significant frequency in large population cohorts (gnomAD); In silico analysis supports that this missense variant has a deleterious effect on protein structure/function; Has not been previously published as pathogenic or benign to our knowledge